The following is an entry in ClinVar:

ClinVar aggregate classification (germline): Uncertain significance (1 of 4 stars; one submission).

Submission:

GeneDx
Classification: Uncertain significance. Last evaluated: 2026-04-23. Review status: criteria provided, single submitter. Criteria: GeneDx Variant Classification Process June 2021. Collection method: clinical testing. Allele origin: germline.
Comment: Not observed at significant frequency in large population cohorts (gnomAD); In silico analysis supports that this missense variant has a deleterious effect on protein structure/function; Has not been previously published as pathogenic or benign to our knowledge

NM_003491.4(NAA10):c.265A>G (p.Lys89Glu)

Gene: NAA10 (N-alpha-acetyltransferase 10, NatA catalytic subunit; minus strand). Cytogenetic location: Xq28.
Variant type: single nucleotide variant.
Coding change: c.265A>G on transcript NM_003491.4 (MANE Select); coding-DNA position 265, A replaced by G.
Protein change: p.Lys89Glu; replaces lysine 89 with glutamic acid.
Molecular consequence: missense variant.
Genome position (GRCh38, 1-based): chrX:153,932,392, T>C on the plus strand (A>G on the coding strand, the complement: NAA10 is on the minus strand). VCF-style: chrX-153932392-T-C. GRCh37 (hg19) VCF-style: chrX-153197845-T-C.
Other names: c.265A>G, p.Lys89Glu (NM_001256119.2); c.247A>G, p.Lys83Glu (NM_001256120.2); short protein forms K83E, K89E.
Identifiers: ClinVar variation 5037737 (VCV005037737.1).